The following is an entry in ClinVar:

NM_000090.4(COL3A1):c.1988G>T (p.Gly663Val)

Gene: COL3A1 (collagen type III alpha 1 chain; plus strand). Cytogenetic location: 2q32.2.
Variant type: single nucleotide variant.
Coding change: c.1988G>T on transcript NM_000090.4 (MANE Select); coding-DNA position 1988, G replaced by T.
Protein change: p.Gly663Val; replaces glycine 663 with valine.
Molecular consequence: missense variant.
Genome position (GRCh38, 1-based): chr2:188,998,684, G>T. VCF-style: chr2-188998684-G-T. GRCh37 (hg19) VCF-style: chr2-189863410-G-T.
Other names: p.G663V:GGT>GTT.
Identifiers: ClinVar variation 101434 (VCV000101434.11), dbSNP rs587779454, ClinGen allele CA004836.
Genomic context (GRCh38, chr2:188,998,684, plus strand): 5'-CATAAAATGCACTCTGATATGGGCCTAATCATATAATGCCAATCTCCCAGGGTCCAAAGG[G>T]TGATGCCGGTGCACCTGGAGCTCCAGGAGGCAAGGTAGTATTTCAATTTATTCTCTACCT-3'
Protein context (NP_000081.2, residues 653-673): NGKPGEPGPK[Gly663Val]DAGAPGAPGG

ClinVar aggregate classification (germline): Pathogenic/Likely pathogenic. Review status: criteria provided, multiple submitters, no conflicts (2 of 4 stars). 3 submissions from 3 submitters: Pathogenic (1); Likely pathogenic (1). 1 of the submissions does not count toward it. Last evaluated 2020-10-05.

Conditions:
Ehlers-Danlos syndrome, type 4 (EDSVASC). Also called: Ehlers-Danlos syndrome vascular type; Ehlers Danlos syndrome, ecchymotic type; Ehlers Danlos syndrome, arterial type; Ehlers Danlos syndrome, Sack-Barabas type; Ehlers-Danlos Syndrome Type IV. Identifiers: Orphanet 286, MedGen C0268338, MONDO:0017314, OMIM 130050.

Submissions (3):

Labcorp Genetics (formerly Invitae), Labcorp
Classification: Pathogenic for Ehlers-Danlos syndrome, type 4. Last evaluated: 2020-10-05. Review status: criteria provided, single submitter. Criteria: Invitae Variant Classification Sherloc (09022015). Collection method: clinical testing. Allele origin: germline.
Comment: This variant disrupts the triple helix domain of COL3A1. Glycine residues within the Gly-Xaa-Yaa repeats of the triple helix domain are required for the structure and stability of fibrillar collagens (PMID: 7695699, 8218237, 19344236). In COL3A1, variants that affect these glycine residues are significantly enriched in individuals with disease (PMID: 24922459, 25758994) compared to the general population (ExAC). Algorithms developed to predict the effect of sequence changes on RNA splicing suggest that this variant may create or strengthen a splice site, but this prediction has not been confirmed by published transcriptional studies. Advanced modeling of protein sequence and biophysical properties (such as structural, functional, and spatial information, amino acid conservation, physicochemical variation, residue mobility, and thermodynamic stability) performed at Invitae indicates that this missense variant is expected to disrupt COL3A1 protein function. This variant has been observed in individual(s) with Ehlers-Danlos syndrome, vascular type (PMID: 24922459). ClinVar contains an entry for this variant (Variation ID: 101434). This variant is not present in population databases (ExAC no frequency). This sequence change replaces glycine with valine at codon 663 of the COL3A1 protein (p.Gly663Val). The glycine residue is highly conserved and there is a moderate physicochemical difference between glycine and valine. For these reasons, this variant has been classified as Pathogenic.

GeneDx
Classification: Likely pathogenic. Last evaluated: 2013-09-13. Review status: criteria provided, single submitter. Criteria: GeneDx Variant Classification (06012015). Collection method: clinical testing. Allele origin: germline. Affected: yes.
Comment: p.Gly663Val (GGT>GTT): c.1988 G>T in exon 29 of the COL3A1 gene (NM_000090.3) While the Gly663Val mutation in the COL3A1 gene has not been reported to our knowledge, a mutation affecting this same codon, Gly663Asp, has been reported in association with vascular Ehlers Danlos syndrome (EDS) (Nakamura M et al., 2009). Additionally, mutations in nearby residues (Gly660Asp, Gly666Asp) have been reported in association with EDS, further supporting the functional importance of this residue and this region of the protein. Although Gly663Val results in a conservative amino acid substitution of one non-polar residue for another, the Gly663 residue is conserved across species. In silico analysis predicts Gly663Val is probably damaging to the protein structure/function. Furthermore, Gly663Val was not observed in approximately 6,500 individuals of European and African American ancestry in the NHLBI Exome Sequencing Project, indicating it is not a common benign variant in these populations. In summary, Gly663Val in the COL3A1 gene is interpreted as a likely disease-causing mutation. The variant is found in TAAD panel(s).

Collagen Diagnostic Laboratory, University of Washington
Classification: Pathogenic for Ehlers-Danlos syndrome, type 4. Review status: no assertion criteria provided. Collection method: clinical testing. Allele origin: germline. Affected: yes. Not counted in ClinVar's aggregate classification.

Literature cited by the submitters: PubMed 7695699 (cited by Labcorp Genetics (formerly Invitae), Labcorp); PubMed 8218237 (cited by Labcorp Genetics (formerly Invitae), Labcorp); PubMed 19344236 (cited by Labcorp Genetics (formerly Invitae), Labcorp); PubMed 24922459 (cited by Labcorp Genetics (formerly Invitae), Labcorp); PubMed 25758994 (cited by Labcorp Genetics (formerly Invitae), Labcorp).